The following is an entry in ClinVar:

ClinVar aggregate classification (germline): Benign/Likely benign. Review status: criteria provided, multiple submitters, no conflicts (2 of 4 stars). 9 submissions from 9 submitters: Benign (1); Likely benign (7). 1 of the submissions does not count toward it. Last evaluated 2026-01-15.

Conditions:
Cardiovascular phenotype. Identifiers: MedGen CN230736.
MYH7-related disorder. Also called: MYH7-related disorders; MYH7-related condition; MYH7-related disease.
Cardiomyopathy (CMYO). Also called: Cardiomyopathies. Identifiers: Orphanet 167848, MedGen C0878544, MONDO:0004994, HP:0001638. Inheritance: Various modes of inheritance.
Hypertrophic cardiomyopathy. Also called: HYPERTROPHIC MYOCARDIOPATHY. Identifiers: Orphanet 217569, MedGen C0007194, MeSH D002312, MONDO:0005045, HP:0001639.

Allele frequency attached by ClinVar (database versions not stated): gnomAD exomes 0.00003 and 0.00008; gnomAD 0.00004; TOPMed 0.00006; ExAC 0.00008.
gnomAD v4.1: 53 of 1,614,124 alleles (0.0033%); highest among the groups gnomAD compares: Admixed American, 0.0067%; no homozygotes.

Submissions (9):

Labcorp Genetics (formerly Invitae), Labcorp
Classification: Likely benign for Hypertrophic cardiomyopathy. Last evaluated: 2026-01-15. Review status: criteria provided, single submitter. Criteria: Invitae Variant Classification Sherloc (09022015). Collection method: clinical testing. Allele origin: germline.

Molecular Diagnostic Laboratory for Inherited Cardiovascular Disease, Montreal Heart Institute
Classification: Likely benign. Last evaluated: 2025-04-09. Review status: criteria provided, single submitter. Criteria: ACMG Guidelines, 2015. Collection method: clinical testing. Allele origin: germline. Affected: no.

All of Us Research Program, National Institutes of Health
Classification: Likely benign for Cardiomyopathy. Last evaluated: 2023-12-01. Review status: criteria provided, single submitter. Criteria: ACMG Guidelines, 2015. Collection method: clinical testing. Allele origin: germline. Inheritance: Autosomal dominant inheritance. Observed: 3 variant alleles, 3 heterozygotes.
Comment: This study involves interpretation of variants in research participants for the purpose of population health screening. Participant phenotype was not available at the time of variant classification. Additional details can be found in publication PMID: 35346344, PMCID: PMC8962531

Blueprint Genetics
Classification: Likely benign. Last evaluated: 2023-08-17. Review status: criteria provided, single submitter. Criteria: ACMG Guidelines, 2015. Collection method: clinical testing. Allele origin: germline.

Ambry Genetics
Classification: Likely benign for Cardiovascular phenotype. Last evaluated: 2019-11-01. Review status: criteria provided, single submitter. Criteria: Ambry Variant Classification Scheme 2023. Collection method: clinical testing. Allele origin: germline.

Women's Health and Genetics/Laboratory Corporation of America, LabCorp
Classification: Likely benign. Last evaluated: 2019-08-29. Review status: criteria provided, single submitter. Criteria: LabCorp Variant Classification Summary - May 2015. Collection method: clinical testing. Allele origin: germline.

Color Diagnostics, LLC DBA Color Health
Classification: Likely benign for Cardiomyopathy. Last evaluated: 2018-10-16. Review status: criteria provided, single submitter. Criteria: ACMG Guidelines, 2015. Collection method: clinical testing. Allele origin: germline.

GeneDx
Classification: Benign. Last evaluated: 2011-07-18. Review status: criteria provided, single submitter. Criteria: GeneDx Variant Classification (06012015). Collection method: clinical testing. Allele origin: germline. Affected: yes.
Comment: This variant is considered likely benign or benign based on one or more of the following criteria: it is a conservative change, it occurs at a poorly conserved position in the protein, it is predicted to be benign by multiple in silico algorithms, and/or has population frequency not consistent with disease.

PreventionGenetics, part of Exact Sciences
Classification: Likely benign for MYH7-related condition. Last evaluated: 2023-02-27. Review status: no assertion criteria provided. Collection method: clinical testing. Allele origin: germline. Not counted in ClinVar's aggregate classification.
Comment: This variant is classified as likely benign based on ACMG/AMP sequence variant interpretation guidelines (Richards et al. 2015 PMID: 25741868, with internal and published modifications).

NM_000257.4(MYH7):c.633G>A (p.Pro211=)

Gene: MYH7 (myosin heavy chain 7; minus strand). Cytogenetic location: 14q11.2.
Variant type: single nucleotide variant.
Coding change: c.633G>A on transcript NM_000257.4 (MANE Select); coding-DNA position 633, G replaced by A.
Protein change: p.Pro211=; no amino-acid change (proline 211 retained).
Molecular consequence: synonymous variant.
Genome position (GRCh38, 1-based): chr14:23,431,767, C>T on the plus strand (G>A on the coding strand, the complement: MYH7 is on the minus strand). VCF-style: chr14-23431767-C-T. GRCh37 (hg19) VCF-style: chr14-23900976-C-T.
Other names: p.P211P:CCG>CCA; c.633G>A (LRG_384t1).
Identifiers: ClinVar variation 138389 (VCV000138389.21), dbSNP rs587781087, ClinGen allele CA016574.
Genomic context (GRCh38, chr14:23,431,767, plus strand): 5'-AGCTCTTCTCCCTCCCTTTCTGCGGTACAGGACCTTGGAGGGCAGCAGGCCTACCTTGCC[C>T]GGGCTCTGGTCCTTCTTGCTGCGGTCCCCAATGGCTGCAATAACAGCAAAGTACTGGATG-3'
Protein context (NP_000248.2, residues 201-221): IGDRSKKDQS[Pro211=]GKGTLEDQII